The following is an entry in ClinVar:

ClinVar aggregate classification (germline): Uncertain significance (1 of 4 stars; one submission).

Conditions:
Multiple endocrine neoplasia, type 1 (MEN1). Also called: MEN I; WERMER SYNDROME; Endocrine adenomatosis multiple; MEN 1; MEA I. Identifiers: Orphanet 652, MedGen C0025267, MeSH D018761, MONDO:0007540, OMIM 131100.

Submission:

Labcorp Genetics (formerly Invitae), Labcorp
Classification: Uncertain significance for Multiple endocrine neoplasia, type 1. Last evaluated: 2024-02-27. Review status: criteria provided, single submitter. Criteria: Invitae Variant Classification Sherloc (09022015). Collection method: clinical testing. Allele origin: germline.
Comment: This sequence change falls in intron 4 of the MEN1 gene. It does not directly change the encoded amino acid sequence of the MEN1 protein. This variant is not present in population databases (gnomAD no frequency). This variant has not been reported in the literature in individuals affected with MEN1-related conditions. Algorithms developed to predict the effect of sequence changes on RNA splicing suggest that this variant may disrupt the consensus splice site. In summary, the available evidence is currently insufficient to determine the role of this variant in disease. Therefore, it has been classified as a Variant of Uncertain Significance.

NM_001370259.2(MEN1):c.784-17_784-14del

Gene: MEN1 (menin 1; minus strand). Cytogenetic location: 11q13.1.
Variant type: Microsatellite.
Coding change: c.784-17_784-14del on transcript NM_001370259.2 (MANE Select); 17 bases into the intron before coding-DNA position 784 through 14 bases into the intron before coding-DNA position 784, 4 bases deleted (TCTC; older notation c.784-17_784-14delTCTC).
Molecular consequence: intron variant.
Genome position (GRCh38, 1-based): chr11:64,807,233-64,807,236, GAGA deleted on the plus strand (TCTC on the coding strand, the reverse complement: MEN1 is on the minus strand); deleting any 4 consecutive bases within chr11:64,807,233-64,807,239 gives the same sequence; the c. name uses the placement nearest the transcript's 3' end. VCF-style (leftmost placement, unchanged base first): chr11-64807232-GGAGA-G. GRCh37 (hg19) VCF-style: chr11-64574704-GGAGA-G.
Other names: c.784-17_784-14del (NM_001370260.2, NM_001370251.2, NM_001407152.1 and 7 more transcripts); c.799-17_799-14del (NM_130801.3, NM_130800.3, NM_001407145.1 and 5 more transcripts); c.679-17_679-14del (NM_001370263.2, NM_001370262.2, NM_001407148.1 and 2 more transcripts).
Identifiers: ClinVar variation 2816819 (VCV002816819.3), dbSNP rs764290037, ClinGen allele CA2739270489.
Genomic context (GRCh38, chr11:64,807,232, plus strand): 5'-TACTGACCTTTCCAGATGTCCCAGGTCATAGAGCAGCCAGAGCAGCTTCTAGGAGCCGAA[GGAGA>G]GAGTTATGAGCCACGGAACAGGGAGGAGAACGGGTCCTTAGCCTATCGGGCAGAGGTGGG-3'